The following is an entry in ClinVar:

ClinVar aggregate classification (germline): Uncertain significance. Review status: criteria provided, multiple submitters, no conflicts (2 of 4 stars). 2 submissions from 2 submitters: Uncertain significance (2). Last evaluated 2022-01-21.

Conditions:
Saldino-Mainzer syndrome (SRTD9). Also called: Renal dysplasia, retinal pigmentary dystrophy, cerebellar ataxia and skeletal dysplasia; short-rib thoracic dysplasia 9 with or without polydactyly; CONORENAL SYNDROME; SHORT-RIB THORACIC DYSPLASIA 9 WITHOUT POLYDACTYLY. Identifiers: Orphanet 140969, MedGen C1849437, MONDO:0009964, OMIM 266920.

Submissions (2):

Labcorp Genetics (formerly Invitae), Labcorp
Classification: Uncertain significance for Saldino-Mainzer syndrome. Last evaluated: 2022-01-21. Review status: criteria provided, single submitter. Criteria: Invitae Variant Classification Sherloc (09022015). Collection method: clinical testing. Allele origin: germline.
Comment: This variant, c.718_720del, results in the deletion of 1 amino acid(s) of the IFT140 protein (p.Glu240del), but otherwise preserves the integrity of the reading frame. This variant is not present in population databases (gnomAD no frequency). This variant has not been reported in the literature in individuals affected with IFT140-related conditions. Experimental studies and prediction algorithms are not available or were not evaluated, and the functional significance of this variant is currently unknown. In summary, the available evidence is currently insufficient to determine the role of this variant in disease. Therefore, it has been classified as a Variant of Uncertain Significance.

Blueprint Genetics
Classification: Uncertain significance. Last evaluated: 2019-12-10. Review status: criteria provided, single submitter. Criteria: ACMG Guidelines, 2015. Collection method: clinical testing. Allele origin: germline.

NM_014714.4(IFT140):c.718_720del (p.Glu240del)

Genes: IFT140 (intraflagellar transport 140; minus strand), LOC105371046 (uncharacterized LOC105371046; plus strand). Cytogenetic location: 16p13.3.
Variant type: Deletion.
Coding change: c.718_720del on transcript NM_014714.4 (MANE Select); coding-DNA positions 718 to 720, 3 bases deleted (GAG; older notation c.718_720delGAG).
Protein change: p.Glu240del; deletes glutamic acid 240.
Molecular consequence: inframe deletion.
Genome position (GRCh38, 1-based): chr16:1,589,695-1,589,697, CTC deleted on the plus strand (GAG on the coding strand, the reverse complement: IFT140 is on the minus strand); deleting any 3 consecutive bases within chr16:1,589,695-1,589,698 gives the same sequence; the c. name uses the placement nearest the transcript's 3' end. VCF-style (leftmost placement, unchanged base first): chr16-1589694-TCTC-T. GRCh37 (hg19) VCF-style: chr16-1639695-TCTC-T.
Other names: short protein forms E240del.
Identifiers: ClinVar variation 2180994 (VCV002180994.2), dbSNP rs2507932615, ClinGen allele CA2580090475.